The following is an entry in ClinVar:

ClinVar aggregate classification (germline): Likely pathogenic (1 of 4 stars; one submission).

Conditions:
Inborn genetic diseases. Identifiers: MedGen C0950123, MeSH D030342.

Submission:

Ambry Genetics
Classification: Likely pathogenic for Inborn genetic diseases. Last evaluated: 2026-04-09. Review status: criteria provided, single submitter. Criteria: Ambry Variant Classification Scheme 2023. Collection method: clinical testing. Allele origin: germline.
Comment: The c.1638dupG variant, located in coding exon 7 of the MBD4 gene, results from a duplication of G at nucleotide position 1638, causing a translational frameshift with a predicted alternate stop codon (p.W547Vfs*7). This variant is considered to be rare based on population cohorts in the Genome Aggregation Database (gnomAD). This alteration is expected to result in loss of function by premature protein truncation or nonsense-mediated mRNA decay. Based on the majority of available evidence to date, this variant is likely to be pathogenic.

NM_001276270.2(MBD4):c.1638dup (p.Trp547fs)

Gene: MBD4 (methyl-CpG binding domain 4, DNA glycosylase; minus strand). Cytogenetic location: 3q21.3.
Variant type: Duplication.
Coding change: c.1638dup on transcript NM_001276270.2 (MANE Select); coding-DNA position 1638, one base duplicated (G; older notation c.1638dupG).
Protein change: p.Trp547fs; shifts the reading frame from tryptophan 547.
Molecular consequence: frameshift variant. On other transcripts: intron variant (1).
Genome position (GRCh38, 1-based): chr3:129,432,512, C duplicated on the plus strand (G on the coding strand, the reverse complement: MBD4 is on the minus strand). VCF-style (leftmost placement, unchanged base first): chr3-129432511-A-AC. GRCh37 (hg19) VCF-style: chr3-129151354-A-AC.
Other names: c.1638dupG (NM_001276270.2); c.1656dup, p.Trp553fs (NM_001276271.2, NM_003925.3); c.702dup, p.Trp235fs (NM_001276273.2); c.1612+44dup (NM_001276272.2); short protein forms W235fs, W547fs, W553fs.
Identifiers: ClinVar variation 4859574 (VCV004859574.1).